The following is an entry in ClinVar:

NM_004370.6(COL12A1):c.7196G>A (p.Gly2399Glu)

Genes: COL12A1 (collagen type XII alpha 1 chain; minus strand), LOC126859712 (MED14-independent group 3 enhancer GRCh37_chr6:75828643-75829842; plus strand). Cytogenetic location: 6q13.
Variant type: single nucleotide variant.
Coding change: c.7196G>A on transcript NM_004370.6 (MANE Select); coding-DNA position 7196, G replaced by A.
Protein change: p.Gly2399Glu; replaces glycine 2399 with glutamic acid.
Molecular consequence: missense variant.
Genome position (GRCh38, 1-based): chr6:75,119,364, C>T on the plus strand (G>A on the coding strand, the complement: COL12A1 is on the minus strand). VCF-style: chr6-75119364-C-T. GRCh37 (hg19) VCF-style: chr6-75829080-C-T.
Other names: c.7196G>A, p.Gly2399Glu (NM_001424113.1); c.7175G>A, p.Gly2392Glu (NM_001424114.1); c.6923G>A, p.Gly2308Glu (NM_001424115.1); c.3704G>A, p.Gly1235Glu (NM_001424116.1, NM_080645.3); short protein forms G1235E, G2308E, G2392E, G2399E.
Identifiers: ClinVar variation 2635347 (VCV002635347.1), dbSNP rs2533202367, ClinGen allele CA364748430.
Genomic context (GRCh38, chr6:75,119,364, plus strand): 5'-TGCCACTACAAATGCTTGAAGAGTAAAGGTCTACATATACACATACCTGTTCTTGTGTTT[C>T]CTCCTCTGTACCTAATATTCTGGAGGGCCCCAAGGGCTAGGGCCTTGTCATTGTACGTGT-3'
Protein context (NP_004361.3, residues 2389-2409): GALQNIRYRG[Gly2399Glu]NTRTGKALTF

ClinVar aggregate classification (germline): Uncertain significance (1 of 4 stars; one submission).

Conditions:
COL12A1-related disorder. Also called: COL12A1-related condition.

Submission:

PreventionGenetics, part of Exact Sciences
Classification: Uncertain significance for COL12A1-related condition. Last evaluated: 2022-10-28. Review status: criteria provided, single submitter. Criteria: ACMG Guidelines, 2015. Collection method: clinical testing. Allele origin: germline.
Comment: The COL12A1 c.7196G>A variant is predicted to result in the amino acid substitution p.Gly2399Glu. This variant was reported to segregate with a highly variable "extracellular matrix-related myopathy" phenotype in three members of a family, and to have occurred de novo (Jezela-Stanek et al 2019. PubMed ID: 30920656). This variant has not been reported in a large population database, indicating this variant is rare. Although we suspect that this variant may be pathogenic, at this time, the clinical significance of this variant is uncertain due to the absence of conclusive functional and genetic evidence.